The following is an entry in ClinVar:

NM_001278293.3(ARL6):c.406_409del (p.Asp136fs)

Gene: ARL6 (ARF like GTPase 6; plus strand). Cytogenetic location: 3q11.2.
Variant type: Deletion.
Coding change: c.406_409del on transcript NM_001278293.3 (MANE Select); coding-DNA positions 406 to 409, 4 bases deleted (GATG; older notation c.406_409delGATG).
Protein change: p.Asp136fs; shifts the reading frame from aspartic acid 136.
Molecular consequence: frameshift variant. On other transcripts: non-coding transcript variant (7).
Genome position (GRCh38, 1-based): chr3:97,788,046-97,788,049, GATG deleted. VCF-style (leftmost placement, unchanged base first): chr3-97788045-AGATG-A. GRCh37 (hg19) VCF-style: chr3-97506889-AGATG-A.
Other names: c.406_409del, p.Asp136fs (NM_001323513.2, NM_001323514.2, NM_032146.5 and 1 more transcripts); short protein forms D136fs.
Identifiers: ClinVar variation 2942834 (VCV002942834.3), dbSNP rs2529974016, ClinGen allele CA2740094540.

ClinVar aggregate classification (germline): Pathogenic (1 of 4 stars; one submission).

Conditions:
Bardet-Biedl syndrome 3 (BBS3). Identifiers: Orphanet 110, MedGen C1859564, MONDO:0010832, OMIM 600151.
Retinitis pigmentosa 55 (RP55). Identifiers: Orphanet 791, MedGen C3150808, MONDO:0013312, OMIM 613575.

Submission:

Labcorp Genetics (formerly Invitae), Labcorp
Classification: Pathogenic for Retinitis pigmentosa 55; Bardet-Biedl syndrome 3. Last evaluated: 2022-12-31. Review status: criteria provided, single submitter. Criteria: Invitae Variant Classification Sherloc (09022015). Collection method: clinical testing. Allele origin: germline.
Comment: This variant is not present in population databases (gnomAD no frequency). For these reasons, this variant has been classified as Pathogenic. This variant has not been reported in the literature in individuals affected with ARL6-related conditions. This sequence change creates a premature translational stop signal (p.Asp136Glnfs*2) in the ARL6 gene. It is expected to result in an absent or disrupted protein product. Loss-of-function variants in ARL6 are known to be pathogenic (PMID: 15258860, 19858128, 20142850, 22334370, 27486776, 31736247).

Literature cited by the submitters: PubMed 15258860; PubMed 19858128; PubMed 20142850; PubMed 22334370; PubMed 27486776; PubMed 31736247.